The following is an entry in ClinVar:

ClinVar aggregate classification (germline): Uncertain significance (1 of 4 stars; one submission).

Conditions:
Developmental and epileptic encephalopathy. Identifiers: MedGen C5779964, MONDO:0100620.

Allele frequency attached by ClinVar (database versions not stated): TOPMed below 0.00001; gnomAD exomes 0.00002.
gnomAD v4.1: 1 of 194,674 alleles (0.00051%); highest among the groups gnomAD compares: Non-Finnish European, 0.001%; no homozygotes.

Submission:

Labcorp Genetics (formerly Invitae), Labcorp
Classification: Uncertain significance for Early-infantile DEE. Last evaluated: 2022-01-01. Review status: criteria provided, single submitter. Criteria: Invitae Variant Classification Sherloc (09022015). Collection method: clinical testing. Allele origin: germline.
Comment: This sequence change replaces proline, which is neutral and non-polar, with alanine, which is neutral and non-polar, at codon 4 of the CACNA2D2 protein (p.Pro4Ala). The frequency data for this variant in the population databases is considered unreliable, as metrics indicate insufficient coverage at this position in the gnomAD database. This variant has not been reported in the literature in individuals affected with CACNA2D2-related conditions. Algorithms developed to predict the effect of missense changes on protein structure and function are either unavailable or do not agree on the potential impact of this missense change (SIFT: "Deleterious"; PolyPhen-2: "Not Available"; Align-GVGD: "Class C0"). In summary, the available evidence is currently insufficient to determine the role of this variant in disease. Therefore, it has been classified as a Variant of Uncertain Significance.

NM_006030.4(CACNA2D2):c.10C>G (p.Pro4Ala)

Gene: CACNA2D2 (calcium voltage-gated channel auxiliary subunit alpha2delta 2; minus strand). Cytogenetic location: 3p21.31.
Variant type: single nucleotide variant.
Coding change: c.10C>G on transcript NM_006030.4 (MANE Select); coding-DNA position 10, C replaced by G.
Protein change: p.Pro4Ala; replaces proline 4 with alanine.
Molecular consequence: missense variant. On other transcripts: intron variant (1).
Genome position (GRCh38, 1-based): chr3:50,503,414, G>C on the plus strand (C>G on the coding strand, the complement: CACNA2D2 is on the minus strand). VCF-style: chr3-50503414-G-C. GRCh37 (hg19) VCF-style: chr3-50540845-G-C.
Other names: c.10C>G, p.Pro4Ala (NM_001005505.3, NM_001174051.3, NM_001410768.1); c.-2+655C>G (NM_001291101.1); short protein forms P4A.
Identifiers: ClinVar variation 1972984 (VCV001972984.2), dbSNP rs1441719733, ClinGen allele CA353000558.